The following is an entry in ClinVar:

NM_001363118.2(SLC52A2):c.854C>T (p.Ala285Val)

Gene: SLC52A2 (solute carrier family 52 member 2; plus strand). Cytogenetic location: 8q24.3.
Variant type: single nucleotide variant.
Coding change: c.854C>T on transcript NM_001363118.2 (MANE Select); coding-DNA position 854, C replaced by T.
Protein change: p.Ala285Val; replaces alanine 285 with valine.
Molecular consequence: missense variant. On other transcripts: non-coding transcript variant (1).
Genome position (GRCh38, 1-based): chr8:144,360,346, C>T. VCF-style: chr8-144360346-C-T. GRCh37 (hg19) VCF-style: chr8-145584006-C-T.
Other names: c.854C>T, p.Ala285Val (NM_001253815.2, NM_001253816.2, NM_001363120.2 and 2 more transcripts); c.362C>T, p.Ala121Val (NM_001363122.2); c.590C>T, p.Ala197Val (NM_001410949.1); short protein forms A121V, A197V, A285V.
Identifiers: ClinVar variation 3252433 (VCV003252433.1), dbSNP rs1476502927.

ClinVar aggregate classification (germline): Uncertain significance (1 of 4 stars; one submission).

Allele frequency attached by ClinVar (database versions not stated): gnomAD exomes 0.00001; TOPMed 0.00001.

Submission:

GeneDx
Classification: Uncertain significance. Last evaluated: 2023-06-06. Review status: criteria provided, single submitter. Criteria: GeneDx Variant Classification Process June 2021. Collection method: clinical testing. Allele origin: germline. Affected: yes.
Comment: Not observed at significant frequency in large population cohorts (gnomAD); In silico analysis supports that this missense variant does not alter protein structure/function; Has not been previously published as pathogenic or benign to our knowledge